The following is an entry in ClinVar:

ClinVar aggregate classification (germline): Uncertain significance. Review status: criteria provided, multiple submitters, no conflicts (2 of 4 stars). 3 submissions from 3 submitters: Uncertain significance (3). Last evaluated 2025-09-21.

Conditions:
Developmental and epileptic encephalopathy, 1 (DEE1). Also called: INFANTILE SPASM SYNDROME, X-LINKED 1; West's syndrome; Tonic spasms with clustering, arrest of psychomotor development and hypsarrhythmia on EEG; X-Linked Infantile Spasm Syndrome; Epileptic encephalopathy, early infantile, 1; X-linked infantile spasms. Identifiers: MedGen C3463992, MONDO:0010632, OMIM 308350. Disease mechanism: loss of function.
Autosomal recessive spinocerebellar ataxia 12. Also called: SPINOCEREBELLAR ATAXIA WITH MENTAL RETARDATION AND EPILEPSY. Identifiers: Orphanet 284282, MedGen C3280452, MONDO:0013687, OMIM 614322.
Inborn genetic diseases. Identifiers: MedGen C0950123, MeSH D030342.
Developmental and epileptic encephalopathy, 28 (DEE28). Also called: Epileptic encephalopathy, early infantile, 28. Identifiers: Orphanet 442835, MedGen C4015519, MONDO:0014533, OMIM 616211.

gnomAD v4.1: 56 of 1,613,952 alleles (0.0035%); highest among the groups gnomAD compares: Non-Finnish European, 0.0047%; 1 homozygote.

Submissions (3):

Ambry Genetics
Classification: Uncertain significance for Inborn genetic diseases. Last evaluated: 2025-09-21. Review status: criteria provided, single submitter. Criteria: Ambry Variant Classification Scheme 2023. Collection method: clinical testing. Allele origin: germline.

Labcorp Genetics (formerly Invitae), Labcorp
Classification: Uncertain significance for Developmental and epileptic encephalopathy, 1; Autosomal recessive spinocerebellar ataxia 12. Last evaluated: 2022-08-03. Review status: criteria provided, single submitter. Criteria: Invitae Variant Classification Sherloc (09022015). Collection method: clinical testing. Allele origin: germline.
Comment: This sequence change replaces arginine, which is basic and polar, with leucine, which is neutral and non-polar, at codon 408 of the WWOX protein (p.Arg408Leu). This variant is present in population databases (no rsID available, gnomAD 0.002%). This variant has not been reported in the literature in individuals affected with WWOX-related conditions. ClinVar contains an entry for this variant (Variation ID: 1683687). Algorithms developed to predict the effect of missense changes on protein structure and function are either unavailable or do not agree on the potential impact of this missense change (SIFT: "Not Available"; PolyPhen-2: "Benign"; Align-GVGD: "Not Available"). In summary, the available evidence is currently insufficient to determine the role of this variant in disease. Therefore, it has been classified as a Variant of Uncertain Significance.

Laboratorio de Genetica e Diagnostico Molecular, Hospital Israelita Albert Einstein
Classification: Uncertain significance for Developmental and epileptic encephalopathy, 28. Last evaluated: 2021-07-05. Review status: criteria provided, single submitter. Criteria: ACMG Guidelines, 2015. Collection method: clinical testing. Allele origin: germline. Affected: yes.
Comment: ACMG classification criteria: PM2 moderate, BP4 supporting

NM_016373.4(WWOX):c.1223G>T (p.Arg408Leu)

Genes: MAF (MAF bZIP transcription factor; minus strand), WWOX (WW domain containing oxidoreductase; plus strand). Cytogenetic location: 16q23.2.
Variant type: single nucleotide variant.
Coding change: c.1223G>T on transcript NM_016373.4 (MANE Select); coding-DNA position 1223, G replaced by T.
Protein change: p.Arg408Leu; replaces arginine 408 with leucine.
Molecular consequence: missense variant.
Genome position (GRCh38, 1-based): chr16:79,211,774, G>T. VCF-style: chr16-79211774-G-T. GRCh37 (hg19) VCF-style: chr16-79245671-G-T.
Other names: c.884G>T, p.Arg295Leu (NM_001291997.2); c.1223G>T (NM_016373.2); short protein forms R295L, R408L.
Identifiers: ClinVar variation 1683687 (VCV001683687.7), dbSNP rs765857107, ClinGen allele CA284131729.
Genomic context (GRCh38, chr16:79,211,774, plus strand): 5'-CTCAGAGCGAAGAGACGGCCCGGACCCTGTGGGCGCTCAGCGAGAGGCTGATCCAAGAAC[G>T]GCTTGGCAGCCAGTCCGGCTAAGTGGAGCTCAGAGCGGATGGGCACACACACCCGCCCTG-3'
Protein context (NP_057457.1, residues 398-414): WALSERLIQE[Arg408Leu]LGSQSG